The following is an entry in ClinVar:

ClinVar aggregate classification (germline): Pathogenic/Likely pathogenic. Review status: criteria provided, multiple submitters, no conflicts (2 of 4 stars). 4 submissions from 4 submitters: Pathogenic (3); Likely pathogenic (1). Last evaluated 2026-02-25.

Conditions:
Mismatch repair cancer syndrome 3. Identifiers: MedGen C5436807, MONDO:0030841, OMIM 619097.
Hereditary nonpolyposis colorectal neoplasms. Identifiers: MedGen C0009405, MeSH D003123.
Lynch syndrome. Identifiers: Orphanet 144, MedGen C4552100, MONDO:0005835. Disease mechanism: loss of function.
Hereditary cancer-predisposing syndrome. Also called: Hereditary neoplastic syndrome; Tumor predisposition; Neoplastic Syndromes, Hereditary; Hereditary Cancer Syndrome. Identifiers: Orphanet 140162, MedGen C0027672, MeSH D009386, MONDO:0015356.

Submissions (4):

Ambry Genetics
Classification: Pathogenic for Hereditary cancer-predisposing syndrome. Last evaluated: 2026-02-25. Review status: criteria provided, single submitter. Criteria: Ambry Variant Classification Scheme 2023. Collection method: clinical testing. Allele origin: germline.
Comment: The p.Q485* pathogenic mutation (also known as c.1453C>T), located in coding exon 4 of the MSH6 gene, results from a C to T substitution at nucleotide position 1453. This changes the amino acid from a glutamine to a stop codon within coding exon 4. This variant is considered to be rare based on population cohorts in the Genome Aggregation Database (gnomAD). This alteration is expected to result in loss of function by premature protein truncation or nonsense-mediated mRNA decay. As such, this alteration is interpreted as a disease-causing mutation.

Labcorp Genetics (formerly Invitae), Labcorp
Classification: Pathogenic for Hereditary nonpolyposis colorectal neoplasms. Last evaluated: 2025-12-02. Review status: criteria provided, single submitter. Criteria: Invitae Variant Classification Sherloc (09022015). Collection method: clinical testing. Allele origin: germline.
Comment: This sequence change creates a premature translational stop signal (p.Gln485*) in the MSH6 gene. It is expected to result in an absent or disrupted protein product. Loss-of-function variants in MSH6 are known to be pathogenic (PMID: 18269114, 24362816). This variant is not present in population databases (gnomAD no frequency). This premature translational stop signal has been observed in individual(s) with Lynch Syndrome (PMID: 21642682). ClinVar contains an entry for this variant (Variation ID: 1319971). For these reasons, this variant has been classified as Pathogenic.

Department of Pathology and Laboratory Medicine, Sinai Health System
Classification: Pathogenic for Mismatch repair cancer syndrome 3. Last evaluated: 2023-03-02. Review status: criteria provided, single submitter. Criteria: ACMG Guidelines, 2015. Collection method: clinical testing. Allele origin: germline. Affected: yes.

GeneID Lab - Advanced Molecular Diagnostics
Classification: Likely pathogenic for Lynch syndrome. Last evaluated: 2019-05-08. Review status: criteria provided, single submitter. Criteria: ACMG Guidelines, 2015. Collection method: clinical testing. Allele origin: germline. Affected: no. Observed: 1 variant allele.
Comment: This variant results in an amino acid alteration, replacing a glutamine (Q) with a premature stop codon at position 485 noted as p.Gln485Ter or p.Q485*. The substitution is predicted to result in a non-functional protein, either through protein truncation or nonsense-mediated mRNA decay. This variant is considered a non-tolerated amino acid change based on “in silico” prediction algorithms , and it has not been reported in the ClinVar Database (NCBI National Library of Medicine, NIH, Bethesda MD) or in gnomAD exomes. Based on these findings and the limited literature regarding this substitution we consider it as a “likely pathogenic variant”.

Literature cited by the submitters: PubMed 18269114 (cited by Labcorp Genetics (formerly Invitae), Labcorp); PubMed 24362816 (cited by Labcorp Genetics (formerly Invitae), Labcorp); PubMed 21642682 (cited by Labcorp Genetics (formerly Invitae), Labcorp).

NM_000179.3(MSH6):c.1453C>T (p.Gln485Ter)

Gene: MSH6 (mutS homolog 6; plus strand). Cytogenetic location: 2p16.3.
Variant type: single nucleotide variant.
Coding change: c.1453C>T on transcript NM_000179.3 (MANE Select); coding-DNA position 1453, C replaced by T.
Protein change: p.Gln485Ter; replaces glutamine 485 with a stop codon.
Molecular consequence: nonsense.
Genome position (GRCh38, 1-based): chr2:47,799,436, C>T. VCF-style: chr2-47799436-C-T. GRCh37 (hg19) VCF-style: chr2-48026575-C-T.
Other names: c.1453C>T (NM_000179.2); c.1063C>T, p.Gln355Ter (NM_001281492.2); c.547C>T, p.Gln183Ter (NM_001281493.2, NM_001281494.2); short protein forms Q183*, Q355*, Q485*.
Identifiers: ClinVar variation 1319971 (VCV001319971.5), dbSNP rs1114167803, ClinGen allele CA346745726.